The following is an entry in ClinVar:

NM_006785.4(MALT1):c.1666_1668del (p.Glu556del)

Gene: MALT1 (MALT1 paracaspase; plus strand). Cytogenetic location: 18q21.32.
Variant type: Deletion.
Coding change: c.1666_1668del on transcript NM_006785.4 (MANE Select); coding-DNA positions 1666 to 1668, 3 bases deleted (GAG; older notation c.1666_1668delGAG).
Protein change: p.Glu556del; deletes glutamic acid 556.
Molecular consequence: inframe deletion.
Genome position (GRCh38, 1-based): chr18:58,741,927-58,741,929, GAG deleted. VCF-style (leftmost placement, unchanged base first): chr18-58741926-TGAG-T. GRCh37 (hg19) VCF-style: chr18-56409158-TGAG-T.
Other names: c.1666_1668del, p.Glu556del (LRG_1221t1); c.1633_1635del, p.Glu545del (NM_173844.3); short protein forms E556del, E545del.
Identifiers: ClinVar variation 665444 (VCV000665444.8), dbSNP rs1602342320, ClinGen allele CA915951564.

ClinVar aggregate classification (germline): Uncertain significance (1 of 4 stars; one submission).

Conditions:
Combined immunodeficiency due to MALT1 deficiency. Also called: Immunodeficiency 12. Identifiers: Orphanet 397964, MedGen C3809583, MONDO:0014197, OMIM 615468.

Submission:

Labcorp Genetics (formerly Invitae), Labcorp
Classification: Uncertain significance for Combined immunodeficiency due to MALT1 deficiency. Last evaluated: 2018-09-13. Review status: criteria provided, single submitter. Criteria: Invitae Variant Classification Sherloc (09022015). Collection method: clinical testing. Allele origin: germline.
Comment: In summary, the available evidence is currently insufficient to determine the role of this variant in disease. Therefore, it has been classified as a Variant of Uncertain Significance. Experimental studies and prediction algorithms are not available for this variant, and the functional significance of the affected amino acid(s) is currently unknown. This variant has not been reported in the literature in individuals with MALT1-related disease. This variant is not present in population databases (ExAC no frequency). This variant, c.1666_1668delGAG, results in the deletion of 1 amino acid(s) of the MALT1 protein (p.Glu556del), but otherwise preserves the integrity of the reading frame.